The following is an entry in ClinVar:

NM_001205293.3(CACNA1E):c.3336G>T (p.Glu1112Asp)

Gene: CACNA1E (calcium voltage-gated channel subunit alpha1 E; plus strand). Cytogenetic location: 1q25.3.
Variant type: single nucleotide variant.
Coding change: c.3336G>T on transcript NM_001205293.3 (MANE Select); coding-DNA position 3336, G replaced by T.
Protein change: p.Glu1112Asp; replaces glutamic acid 1112 with aspartic acid.
Molecular consequence: missense variant.
Genome position (GRCh38, 1-based): chr1:181,736,348, G>T. VCF-style: chr1-181736348-G-T. GRCh37 (hg19) VCF-style: chr1-181705484-G-T.
Other names: c.3336G>T, p.Glu1112Asp (NM_000721.4); c.3279G>T, p.Glu1093Asp (NM_001205294.2); short protein forms E1093D, E1112D.
Identifiers: ClinVar variation 2860487 (VCV002860487.3), dbSNP rs2528748117, ClinGen allele CA343621587.
Genomic context (GRCh38, chr1:181,736,348, plus strand): 5'-GGATGGGGAAGCCAGTCCCTTGAAGGAGGCAGAGATCAGAGAGGATGAGGAGGAGGTGGA[G>T]AAGAAGAAGCAGAAGAAGGAGAAGCGTGAGACAGGCAAAGCCATGGTGCCCCACAGCTCA-3'
Protein context (NP_001192222.1, residues 1102-1122): AEIREDEEEV[Glu1112Asp]KKKQKKEKRE

ClinVar aggregate classification (germline): Uncertain significance (1 of 4 stars; one submission).

Submission:

Labcorp Genetics (formerly Invitae), Labcorp
Classification: Uncertain significance. Last evaluated: 2024-02-12. Review status: criteria provided, single submitter. Criteria: Invitae Variant Classification Sherloc (09022015). Collection method: clinical testing. Allele origin: germline.
Comment: This sequence change replaces glutamic acid, which is acidic and polar, with aspartic acid, which is acidic and polar, at codon 1112 of the CACNA1E protein (p.Glu1112Asp). This variant is not present in population databases (gnomAD no frequency). This variant has not been reported in the literature in individuals affected with CACNA1E-related conditions. Advanced modeling of protein sequence and biophysical properties (such as structural, functional, and spatial information, amino acid conservation, physicochemical variation, residue mobility, and thermodynamic stability) performed at Invitae indicates that this missense variant is not expected to disrupt CACNA1E protein function with a negative predictive value of 95%. In summary, the available evidence is currently insufficient to determine the role of this variant in disease. Therefore, it has been classified as a Variant of Uncertain Significance.